The following is an entry in ClinVar:

ClinVar aggregate classification (germline): Uncertain significance (1 of 4 stars; one submission).

Conditions:
Familial meningioma. Also called: Meningioma, familial, susceptibility to. Identifiers: Orphanet 263662, MedGen C3551915, MONDO:0011789, OMIM 607174.

Submission:

Labcorp Genetics (formerly Invitae), Labcorp
Classification: Uncertain significance for Familial meningioma. Last evaluated: 2021-07-29. Review status: criteria provided, single submitter. Criteria: Invitae Variant Classification Sherloc (09022015). Collection method: clinical testing. Allele origin: germline.
Comment: In summary, the available evidence is currently insufficient to determine the role of this variant in disease. Therefore, it has been classified as a Variant of Uncertain Significance. Algorithms developed to predict the effect of missense changes on protein structure and function are either unavailable or do not agree on the potential impact of this missense change (SIFT: "Deleterious"; PolyPhen-2: "Benign"; Align-GVGD: "Class C0"). This variant has not been reported in the literature in individuals affected with SMARCE1-related conditions. This variant is not present in population databases (ExAC no frequency). This sequence change replaces histidine with tyrosine at codon 200 of the SMARCE1 protein (p.His200Tyr). The histidine residue is highly conserved and there is a moderate physicochemical difference between histidine and tyrosine.

NM_003079.5(SMARCE1):c.598C>T (p.His200Tyr)

Gene: SMARCE1 (SWI/SNF related BAF chromatin remodeling complex subunit E1; minus strand). Cytogenetic location: 17q21.2.
Variant type: single nucleotide variant.
Coding change: c.598C>T on transcript NM_003079.5 (MANE Select); coding-DNA position 598, C replaced by T.
Protein change: p.His200Tyr; replaces histidine 200 with tyrosine.
Molecular consequence: missense variant.
Genome position (GRCh38, 1-based): chr17:40,632,311, G>A on the plus strand (C>T on the coding strand, the complement: SMARCE1 is on the minus strand). VCF-style: chr17-40632311-G-A. GRCh37 (hg19) VCF-style: chr17-38788563-G-A.
Other names: short protein forms H200Y.
Identifiers: ClinVar variation 1408023 (VCV001408023.6), dbSNP rs2143988460, ClinGen allele CA399364786.